The following is an entry in ClinVar:

ClinVar aggregate classification (germline): Likely pathogenic. Review status: criteria provided, multiple submitters, no conflicts (2 of 4 stars). 2 submissions from 2 submitters: Likely pathogenic (2). Last evaluated 2025-09-14.

Conditions:
Alport syndrome. Also called: Hemorrhagic familial nephritis; Hemorrhagic hereditary nephritis; Congenital hereditary hematuria. Identifiers: Orphanet 63, MedGen C1567741, MONDO:0018965.
Autosomal recessive Alport syndrome (ATS2). Also called: ALPORT SYNDROME 2, AUTOSOMAL RECESSIVE; Alport syndrome type 2; COL4A3-Related Nephropathy; COL4A4 Alport Syndrome and Thin Basement Membrane Nephropathy. Identifiers: Orphanet 63, Orphanet 88919, MedGen C4746745, MONDO:0008762, OMIM 203780.

Allele frequency attached by ClinVar (database versions not stated): TOPMed below 0.00001.
gnomAD v4.1: 2 of 1,614,058 alleles (0.00012%); highest among the groups gnomAD compares: African/African-American, 0.0013%; no homozygotes.

Submissions (2):

Natera, Inc.
Classification: Likely pathogenic for Alport syndrome. Last evaluated: 2025-09-14. Review status: criteria provided, single submitter. Criteria: Natera Variant Classification Schema (03/2026). Collection method: clinical testing. Allele origin: germline.
Comment: The c.2764G>C variant in COL4A3 is a missense variant predicted to cause substitution of glycine to arginine at amino acid 922. This variant is rare in the general population with a frequency below the threshold expected for the associated phenotype(s). This variant is located in a functionally critical region of the protein. Computational prediction algorithms indicate this variant is likely to affect gene or protein function. Given the available evidence, this variant is classified as Likely Pathogenic.

Women's Health and Genetics/Laboratory Corporation of America, LabCorp
Classification: Likely pathogenic for Autosomal recessive Alport syndrome. Last evaluated: 2023-12-08. Review status: criteria provided, single submitter. Criteria: LabCorp Variant Classification Summary - May 2015. Collection method: clinical testing. Allele origin: germline.
Comment: Variant summary: COL4A3 c.2764G>C (p.Gly922Arg) results in a non-conservative amino acid change located in the Collagen triple helix repeat (IPR008160) of the encoded protein sequence. This missense variant disrupts a critical glycine residue at position 1 of a Gly-X-Y repeat in the collagenous domain of the collagen IV alpha 3 chain, and variants affecting these glycine residues are significantly enriched in individuals affected with Alport syndrome (PMID: 33854215). Five of five in-silico tools predict a damaging effect of the variant on protein function. The variant allele was found at a frequency of 4e-06 in 249310 control chromosomes (i.e., 1 heterozygote; gnomAD v2.1.1 Exomes dataset). The available data on variant occurrences in the general population are insufficient to allow any conclusion about variant significance. To our knowledge, no occurrence of c.2764G>C in individuals affected with Alport Syndrome, Autosomal Recessive and no experimental evidence demonstrating its impact on protein function have been reported. No submitters have reported clinical-significance assessments for this variant to ClinVar after 2014. Based on the evidence outlined above, the variant was classified as likely pathogenic.

NM_000091.5(COL4A3):c.2764G>C (p.Gly922Arg)

Genes: MFF-DT (MFF divergent transcript; minus strand), COL4A3 (collagen type IV alpha 3 chain; plus strand). Cytogenetic location: 2q36.3.
Variant type: single nucleotide variant.
Coding change: c.2764G>C on transcript NM_000091.5 (MANE Select); coding-DNA position 2764, G replaced by C.
Protein change: p.Gly922Arg; replaces glycine 922 with arginine.
Molecular consequence: missense variant.
Genome position (GRCh38, 1-based): chr2:227,284,228, G>C. VCF-style: chr2-227284228-G-C. GRCh37 (hg19) VCF-style: chr2-228148944-G-C.
Other names: short protein forms G922R.
Identifiers: ClinVar variation 2691524 (VCV002691524.2), dbSNP rs1405970656, ClinGen allele CA350851705.